The following is an entry in ClinVar:

ClinVar aggregate classification (germline): Uncertain significance (1 of 4 stars; one submission).

Submission:

Labcorp Genetics (formerly Invitae), Labcorp
Classification: Uncertain significance. Last evaluated: 2025-11-01. Review status: criteria provided, single submitter. Criteria: Invitae Variant Classification Sherloc (09022015). Collection method: clinical testing. Allele origin: germline.
Comment: This sequence change replaces methionine, which is neutral and non-polar, with arginine, which is basic and polar, at codon 505 of the IMPDH1 protein (p.Met505Arg). This variant is not present in population databases (gnomAD no frequency). This variant has not been reported in the literature in individuals affected with IMPDH1-related conditions. An algorithm developed to predict the effect of missense changes on protein structure and function (PolyPhen-2) suggests that this variant is likely to be tolerated. In summary, the available evidence is currently insufficient to determine the role of this variant in disease. Therefore, it has been classified as a Variant of Uncertain Significance.

NM_000883.4(IMPDH1):c.1514T>G (p.Met505Arg)

Gene: IMPDH1 (inosine monophosphate dehydrogenase 1; minus strand). Cytogenetic location: 7q32.1.
Variant type: single nucleotide variant.
Coding change: c.1514T>G on transcript NM_000883.4 (MANE Select); coding-DNA position 1514, T replaced by G.
Protein change: p.Met505Arg; replaces methionine 505 with arginine.
Molecular consequence: missense variant.
Genome position (GRCh38, 1-based): chr7:128,394,925, A>C on the plus strand (T>G on the coding strand, the complement: IMPDH1 is on the minus strand). VCF-style: chr7-128394925-A-C. GRCh37 (hg19) VCF-style: chr7-128034979-A-C.
Other names: c.1484T>G, p.Met495Arg (NM_001102605.2); c.1259T>G, p.Met420Arg (NM_001142573.2); c.1244T>G, p.Met415Arg (NM_001142574.2); c.1184T>G, p.Met395Arg (NM_001142575.2); c.1415T>G, p.Met472Arg (NM_001142576.2); c.1307T>G, p.Met436Arg (NM_001304521.2); c.1406T>G, p.Met469Arg (NM_183243.3); short protein forms M472R, M495R, M505R, M395R, M415R, M420R, M436R, M469R.
Identifiers: ClinVar variation 4810922 (VCV004810922.1).